The following is an entry in ClinVar:

ClinVar aggregate classification (germline): Uncertain significance (1 of 4 stars; one submission).

gnomAD v4.1: 3 of 1,550,440 alleles (0.00019%); highest among the groups gnomAD compares: Non-Finnish European, 0.00026%; no homozygotes.

Submission:

CeGaT Center for Human Genetics Tuebingen
Classification: Uncertain significance. Last evaluated: 2024-09-01. Review status: criteria provided, single submitter. Criteria: CeGaT Center For Human Genetics Tuebingen Variant Classification Criteria Version 2. Collection method: clinical testing. Allele origin: germline. Affected: yes. Observed: 1 variant allele.
Comment: KIF1A: PM2, BP4

NM_001244008.2(KIF1A):c.2667C>A (p.Thr889=)

Gene: KIF1A (kinesin family member 1A; minus strand). Cytogenetic location: 2q37.3.
Variant type: single nucleotide variant.
Coding change: c.2667C>A on transcript NM_001244008.2 (MANE Select); coding-DNA position 2667, C replaced by A.
Protein change: p.Thr889=; no amino-acid change (threonine 889 retained).
Molecular consequence: synonymous variant. On other transcripts: intron variant (18).
Genome position (GRCh38, 1-based): chr2:240,757,510, G>T on the plus strand (C>A on the coding strand, the complement: KIF1A is on the minus strand). VCF-style: chr2-240757510-G-T. GRCh37 (hg19) VCF-style: chr2-241696927-G-T.
Other names: c.2742C>A, p.Thr914= (NM_001379631.1); c.2616C>A, p.Thr872= (NM_001379632.1); c.2640C>A, p.Thr880= (NM_001379633.1, NM_001379642.1, NM_001379645.1); c.2555+850C>A (NM_001379653.1, NM_001379650.1, NM_001379640.1 and 6 more transcripts); c.2657+850C>A (NM_001379635.1, NM_001330290.2, NM_001379646.1 and 1 more transcripts); c.2630+850C>A (NM_001379637.1, NM_001379648.1); c.2582+850C>A (NM_001320705.2, NM_001379638.1, NM_001330289.2).
Identifiers: ClinVar variation 3388962 (VCV003388962.14).
Genomic context (GRCh38, chr2:240,757,510, plus strand): 5'-CTCCTCCCCCACGCTCTGCTCCTCGGCAGGCTCGGTGGCGTCGGAGTCGGGGCTCGAGAA[G>T]GTGGGGGAGGGGGTGAGAGCAGCCATGCGCTCGCTCATGCATGTGTTGAGAAGAGGGTAG-3'
Protein context (NP_001230937.1, residues 879-899): ERMAALTPSP[Thr889=]FSSPDSDATE